The following is an entry in ClinVar:

NM_001035.3(RYR2):c.12682G>A (p.Glu4228Lys)

Genes: RYR2 (ryanodine receptor 2; plus strand), LOC126806068 (BRD4-independent group 4 enhancer GRCh37_chr1:237947411-237948610; plus strand). Cytogenetic location: 1q43.
Variant type: single nucleotide variant.
Coding change: c.12682G>A on transcript NM_001035.3 (MANE Select); coding-DNA position 12682, G replaced by A.
Protein change: p.Glu4228Lys; replaces glutamic acid 4228 with lysine.
Molecular consequence: missense variant.
Genome position (GRCh38, 1-based): chr1:237,784,394, G>A. VCF-style: chr1-237784394-G-A. GRCh37 (hg19) VCF-style: chr1-237947694-G-A.
Other names: short protein forms E4228K.
Identifiers: ClinVar variation 2732026 (VCV002732026.3), dbSNP rs2527789463, ClinGen allele CA345413906.

ClinVar aggregate classification (germline): Uncertain significance (1 of 4 stars; one submission).

Conditions:
Catecholaminergic polymorphic ventricular tachycardia 1. Also called: RYR2-Related Catecholaminergic Polymorphic Ventricular Tachycardia; VENTRICULAR TACHYCARDIA, CATECHOLAMINERGIC POLYMORPHIC, 1, WITH OR WITHOUT ATRIAL DYSFUNCTION AND/OR DILATED CARDIOMYOPATHY; VENTRICULAR TACHYCARDIA, STRESS-INDUCED POLYMORPHIC 1. Identifiers: Orphanet 3286, MedGen C1631597, MONDO:0011484, OMIM 604772.

Submission:

Labcorp Genetics (formerly Invitae), Labcorp
Classification: Uncertain significance for Catecholaminergic polymorphic ventricular tachycardia 1. Last evaluated: 2023-08-07. Review status: criteria provided, single submitter. Criteria: Invitae Variant Classification Sherloc (09022015). Collection method: clinical testing. Allele origin: germline.
Comment: This variant is not present in population databases (gnomAD no frequency). In summary, the available evidence is currently insufficient to determine the role of this variant in disease. Therefore, it has been classified as a Variant of Uncertain Significance. Advanced modeling of protein sequence and biophysical properties (such as structural, functional, and spatial information, amino acid conservation, physicochemical variation, residue mobility, and thermodynamic stability) has been performed at Invitae for this missense variant, however the output from this modeling did not meet the statistical confidence thresholds required to predict the impact of this variant on RYR2 protein function. This variant has not been reported in the literature in individuals affected with RYR2-related conditions. This sequence change replaces glutamic acid, which is acidic and polar, with lysine, which is basic and polar, at codon 4228 of the RYR2 protein (p.Glu4228Lys).